The following is an entry in ClinVar:

NM_001190274.2(FBXO11):c.656A>G (p.Tyr219Cys)

Gene: FBXO11 (F-box protein 11; minus strand). Cytogenetic location: 2p16.3.
Variant type: single nucleotide variant.
Coding change: c.656A>G on transcript NM_001190274.2 (MANE Select); coding-DNA position 656, A replaced by G.
Protein change: p.Tyr219Cys; replaces tyrosine 219 with cysteine.
Molecular consequence: missense variant.
Genome position (GRCh38, 1-based): chr2:47,835,933, T>C on the plus strand (A>G on the coding strand, the complement: FBXO11 is on the minus strand). VCF-style: chr2-47835933-T-C. GRCh37 (hg19) VCF-style: chr2-48063072-T-C.
Other names: c.404A>G, p.Tyr135Cys (NM_001374325.1, NM_025133.4); short protein forms Y135C, Y219C.
Identifiers: ClinVar variation 2650889 (VCV002650889.24), dbSNP rs867032751, ClinGen allele CA47225362.
Genomic context (GRCh38, chr2:47,835,933, plus strand): 5'-AACTGCTGGAAACTCTCTTTCCAGGGATTTGGATGTTCATACTCTTCTGGATTAATCTGG[T>C]AGAATTTTCCAGGTTCAGGATGCATCATAGGGCGAGTATATTCAAATACTTCCATATATA-3'
Protein context (NP_001177203.1, residues 209-229): PMMHPEPGKF[Tyr219Cys]QINPEEYEHP

ClinVar aggregate classification (germline): Uncertain significance (1 of 4 stars; one submission).

Allele frequency attached by ClinVar (database versions not stated): TOPMed 0.00001.
gnomAD v4.1: 1 of 1,611,382 alleles (0.000062%); highest among the groups gnomAD compares: Non-Finnish European, 0.000085%; no homozygotes.

Submission:

CeGaT Center for Human Genetics Tuebingen
Classification: Uncertain significance. Last evaluated: 2023-10-01. Review status: criteria provided, single submitter. Criteria: CeGaT Center For Human Genetics Tuebingen Variant Classification Criteria Version 2. Collection method: clinical testing. Allele origin: germline. Affected: yes. Observed: 1 variant allele.
Comment: FBXO11: PM2